The following is an entry in ClinVar:

NM_000179.3(MSH6):c.3647G>A (p.Gly1216Glu)

Gene: MSH6 (mutS homolog 6; plus strand). Cytogenetic location: 2p16.3.
Variant type: single nucleotide variant.
Coding change: c.3647G>A on transcript NM_000179.3 (MANE Select); coding-DNA position 3647, G replaced by A.
Protein change: p.Gly1216Glu; replaces glycine 1216 with glutamic acid.
Molecular consequence: missense variant.
Genome position (GRCh38, 1-based): chr2:47,806,204, G>A. VCF-style: chr2-47806204-G-A. GRCh37 (hg19) VCF-style: chr2-48033343-G-A.
Other names: c.3350G>A, p.Gly1117Glu (NM_001406827.1, NM_001406828.1, NM_001406830.1 and 10 more transcripts); c.2741G>A, p.Gly914Glu (NM_001406829.1, NM_001281493.2, NM_001281494.2 and 6 more transcripts); c.428G>A, p.Gly143Glu (NM_001406831.1); c.494G>A, p.Gly165Glu (NM_001406832.1); c.1592G>A, p.Gly531Glu (NM_001407362.1); c.3257G>A, p.Gly1086Glu (NM_001281492.2); c.3743G>A, p.Gly1248Glu (NM_001406795.1, NM_001406802.1); c.3647G>A, p.Gly1216Glu (NM_001406796.1, NM_001406800.1, NM_001406808.1 and 1 more transcripts); and 7 more; short protein forms G928E, G1158E, G1160E, G1190E, G1216E, G143E, G694E, G1041E.
Identifiers: ClinVar variation 1733561 (VCV001733561.3), dbSNP rs770329467, ClinGen allele CA346760812.

ClinVar aggregate classification (germline): Uncertain significance. Review status: criteria provided, multiple submitters, no conflicts (2 of 4 stars). 2 submissions from 2 submitters: Uncertain significance (2). Last evaluated 2022-11-03.

Conditions:
Hereditary cancer-predisposing syndrome. Also called: Hereditary Cancer Syndrome; Hereditary neoplastic syndrome; Neoplastic Syndromes, Hereditary; Tumor predisposition. Identifiers: Orphanet 140162, MedGen C0027672, MeSH D009386, MONDO:0015356.

Submissions (2):

Blueprint Genetics
Classification: Uncertain significance. Last evaluated: 2022-11-03. Review status: criteria provided, single submitter. Criteria: ACMG Guidelines, 2015. Collection method: clinical testing. Allele origin: germline.

Ambry Genetics
Classification: Uncertain significance for Hereditary cancer-predisposing syndrome. Last evaluated: 2022-03-29. Review status: criteria provided, single submitter. Criteria: Ambry Variant Classification Scheme 2023. Collection method: clinical testing. Allele origin: germline.
Comment: The p.G1216E variant (also known as c.3647G>A) is located in coding exon 8 of the MSH6 gene. The glycine at codon 1216 is replaced by glutamic acid, an amino acid with similar properties. This change occurs in the first base pair of coding exon 8. This amino acid position is highly conserved in available vertebrate species. In addition, this alteration is predicted to be deleterious by in silico analysis. Since supporting evidence is limited at this time, the clinical significance of this alteration remains unclear.